The following is an entry in ClinVar:

ClinVar aggregate classification (germline): Uncertain significance. Review status: criteria provided, multiple submitters, no conflicts (2 of 4 stars). 3 submissions from 3 submitters: Uncertain significance (3). Last evaluated 2025-09-01.

Conditions:
Polycystic kidney disease, adult type (PKD1). Also called: Polycystic Kidney Disease 1, Autosomal Dominant; Polycystic kidney disease 1; Polycystic kidney disease 1, severe; POLYCYSTIC KIDNEY DISEASE 1 WITH OR WITHOUT POLYCYSTIC LIVER DISEASE; POLYCYSTIC KIDNEY DISEASE, ADULT, TYPE I; Polycystic Kidney, Autosomal Dominant. Identifiers: MedGen C3149841, MONDO:0008263, OMIM 173900.
Inborn genetic diseases. Identifiers: MedGen C0950123, MeSH D030342.

gnomAD v4.1: 10 of 1,589,874 alleles (0.00063%); highest among the groups gnomAD compares: Admixed American, 0.0067%; no homozygotes.

Submissions (3):

Ambry Genetics
Classification: Uncertain significance for Inborn genetic diseases. Last evaluated: 2025-09-01. Review status: criteria provided, single submitter. Criteria: Ambry Variant Classification Scheme 2023. Collection method: clinical testing. Allele origin: germline.

GeneDx
Classification: Uncertain significance. Last evaluated: 2025-03-27. Review status: criteria provided, single submitter. Criteria: GeneDx Variant Classification Process June 2021. Collection method: clinical testing. Allele origin: germline. Affected: yes.
Comment: In silico analysis indicates that this missense variant does not alter protein structure/function; Has not been previously published as pathogenic or benign to our knowledge

Fulgent Genetics
Classification: Uncertain significance for Polycystic kidney disease, adult type. Last evaluated: 2024-06-18. Review status: criteria provided, single submitter. Criteria: ACMG Guidelines, 2015. Collection method: clinical testing. Allele origin: germline.

NM_001009944.3(PKD1):c.5839G>A (p.Val1947Met)

Gene: PKD1 (polycystin 1, transient receptor potential channel interacting; minus strand). Cytogenetic location: 16p13.3.
Variant type: single nucleotide variant.
Coding change: c.5839G>A on transcript NM_001009944.3 (MANE Select); coding-DNA position 5839, G replaced by A.
Protein change: p.Val1947Met; replaces valine 1947 with methionine.
Molecular consequence: missense variant.
Genome position (GRCh38, 1-based): chr16:2,109,328, C>T on the plus strand (G>A on the coding strand, the complement: PKD1 is on the minus strand). VCF-style: chr16-2109328-C-T. GRCh37 (hg19) VCF-style: chr16-2159329-C-T.
Other names: c.5839G>A (NM_000296.3); c.5839G>A, p.Val1947Met (NM_000296.4); short protein forms V1947M.
Identifiers: ClinVar variation 3579413 (VCV003579413.2).